The following is an entry in ClinVar:

ClinVar aggregate classification (germline): Pathogenic (1 of 4 stars; one submission).

Submission:

GeneDx
Classification: Pathogenic. Last evaluated: 2018-05-29. Review status: criteria provided, single submitter. Criteria: GeneDx Variant Classification (06012015). Collection method: clinical testing. Allele origin: germline. Affected: yes.
Comment: The G1136S variant has not been published as a pathogenic variant, nor has it been reported as a benign variant to our knowledge. G1136S occurs in the triple helical domain and replaces the Glycine in the canonical Gly-X-Y repeat. Variants in these Glycines result in poor winding of the collagen triple helix and a less functional protein. The G1136S variant is not observed in large population cohorts (Lek et al., 2016). The G1136S variant is a non-conservative amino acid substitution, which is likely to impact secondary protein structure as these residues differ in polarity, charge, size and/or other properties. In-silico analyses, including protein predictors and evolutionary conservation, support a deleterious effect. Missense variants in nearby Glycine residues (G1133A, G1139S) have been reported in the Human Gene Mutation Database in association with COL1A1-related disorders (Stenson et al., 2014), supporting the functional importance of this region of the protein. Therefore, we classify this variant as pathogenic.

NM_000088.4(COL1A1):c.3406G>A (p.Gly1136Ser)

Gene: COL1A1 (collagen type I alpha 1 chain; minus strand). Cytogenetic location: 17q21.33.
Variant type: single nucleotide variant.
Coding change: c.3406G>A on transcript NM_000088.4 (MANE Select); coding-DNA position 3406, G replaced by A.
Protein change: p.Gly1136Ser; replaces glycine 1136 with serine.
Molecular consequence: missense variant.
Genome position (GRCh38, 1-based): chr17:50,187,501, C>T on the plus strand (G>A on the coding strand, the complement: COL1A1 is on the minus strand). VCF-style: chr17-50187501-C-T. GRCh37 (hg19) VCF-style: chr17-48264862-C-T.
Other names: short protein forms G1136S.
Identifiers: ClinVar variation 546561 (VCV000546561.2), dbSNP rs1555572015, ClinGen allele CA400199225.